The following is an entry in ClinVar:

NM_001447.3(FAT2):c.3296T>C (p.Phe1099Ser)

Gene: FAT2 (FAT atypical cadherin 2; minus strand). Cytogenetic location: 5q33.1.
Variant type: single nucleotide variant.
Coding change: c.3296T>C on transcript NM_001447.3 (MANE Select); coding-DNA position 3296, T replaced by C.
Protein change: p.Phe1099Ser; replaces phenylalanine 1099 with serine.
Molecular consequence: missense variant.
Genome position (GRCh38, 1-based): chr5:151,563,603, A>G on the plus strand (T>C on the coding strand, the complement: FAT2 is on the minus strand). VCF-style: chr5-151563603-A-G. GRCh37 (hg19) VCF-style: chr5-150943164-A-G.
Other names: short protein forms F1099S.
Identifiers: ClinVar variation 2084208 (VCV002084208.28), dbSNP rs141548933, ClinGen allele CA3521863.

ClinVar aggregate classification (germline): Benign/Likely benign. Review status: criteria provided, multiple submitters, no conflicts (2 of 4 stars). 2 submissions from 2 submitters: Benign (1); Likely benign (1). Last evaluated 2024-04-13.

Allele frequency attached by ClinVar (database versions not stated): gnomAD exomes 0.00005; ExAC 0.00017; ESP Exome Variant Server 0.00069; gnomAD 0.00073; TOPMed 0.00075; 1000 Genomes Project 0.00120; 1000 Genomes Project 30x 0.00125.
gnomAD v4.1: 192 of 1,614,170 alleles (0.012%); highest among the groups gnomAD compares: African/African-American, 0.24%; 1 homozygote.

Submissions (2):

Labcorp Genetics (formerly Invitae), Labcorp
Classification: Likely benign. Last evaluated: 2024-04-13. Review status: criteria provided, single submitter. Criteria: Invitae Variant Classification Sherloc (09022015). Collection method: clinical testing. Allele origin: germline.

CeGaT Center for Human Genetics Tuebingen
Classification: Benign. Last evaluated: 2023-10-01. Review status: criteria provided, single submitter. Criteria: CeGaT Center For Human Genetics Tuebingen Variant Classification Criteria Version 2. Collection method: clinical testing. Allele origin: germline. Affected: yes. Observed: 1 variant allele.
Comment: FAT2: BS1, BS2